The following is an entry in ClinVar:

ClinVar aggregate classification (germline): Uncertain significance (1 of 4 stars; one submission).

gnomAD v4.1: 2 of 1,613,650 alleles (0.00012%); highest among the groups gnomAD compares: African/African-American, 0.0027%; no homozygotes.

Submission:

Labcorp Genetics (formerly Invitae), Labcorp
Classification: Uncertain significance. Last evaluated: 2023-08-24. Review status: criteria provided, single submitter. Criteria: Invitae Variant Classification Sherloc (09022015). Collection method: clinical testing. Allele origin: germline.
Comment: In summary, the available evidence is currently insufficient to determine the role of this variant in disease. Therefore, it has been classified as a Variant of Uncertain Significance. Advanced modeling of protein sequence and biophysical properties (such as structural, functional, and spatial information, amino acid conservation, physicochemical variation, residue mobility, and thermodynamic stability) has been performed at Invitae for this missense variant, however the output from this modeling did not meet the statistical confidence thresholds required to predict the impact of this variant on P4HB protein function. This variant has not been reported in the literature in individuals affected with P4HB-related conditions. This variant is not present in population databases (gnomAD no frequency). This sequence change replaces serine, which is neutral and polar, with arginine, which is basic and polar, at codon 472 of the P4HB protein (p.Ser472Arg).

NM_000918.4(P4HB):c.1416C>G (p.Ser472Arg)

Gene: P4HB (prolyl 4-hydroxylase subunit beta; minus strand). Cytogenetic location: 17q25.3.
Variant type: single nucleotide variant.
Coding change: c.1416C>G on transcript NM_000918.4 (MANE Select); coding-DNA position 1416, C replaced by G.
Protein change: p.Ser472Arg; replaces serine 472 with arginine.
Molecular consequence: missense variant.
Genome position (GRCh38, 1-based): chr17:81,845,174, G>C on the plus strand (C>G on the coding strand, the complement: P4HB is on the minus strand). VCF-style: chr17-81845174-G-C. GRCh37 (hg19) VCF-style: chr17-79803050-G-C.
Other names: short protein forms S472R.
Identifiers: ClinVar variation 2992891 (VCV002992891.3), dbSNP rs201834939, ClinGen allele CA401505185.
Genomic context (GRCh38, chr17:81,845,174, plus strand): 5'-AGACCAGCCCAGGGCTGTGACCCCACTCACGTCATCATCCCCTGCCCCATCCTGGCCACC[G>C]CTCTCCAGGAATTTCTTAAAACCATCCAGCGTGCGTTCCCCGTTGTAATCAATGACCTGT-3'
Protein context (NP_000909.2, residues 462-482): TLDGFKKFLE[Ser472Arg]GGQDGAGDDD